The following is an entry in ClinVar:

NM_000540.3(RYR1):c.10184G>T (p.Arg3395Leu)

Gene: RYR1 (ryanodine receptor 1; plus strand). Cytogenetic location: 19q13.2.
Variant type: single nucleotide variant.
Coding change: c.10184G>T on transcript NM_000540.3 (MANE Select); coding-DNA position 10184, G replaced by T.
Protein change: p.Arg3395Leu; replaces arginine 3395 with leucine.
Molecular consequence: missense variant.
Genome position (GRCh38, 1-based): chr19:38,519,379, G>T. VCF-style: chr19-38519379-G-T. GRCh37 (hg19) VCF-style: chr19-39010019-G-T.
Other names: c.10184G>T, p.Arg3395Leu (NM_001042723.2); short protein forms R3395L.
Identifiers: ClinVar variation 3385523 (VCV003385523.1).
Genomic context (GRCh38, chr19:38,519,379, plus strand): 5'-AGGAGGAGCAGCTGCGCCTGGAGGCCAAGGCGGAGGCCCAGGAGGGCGAGCTGCTGGTGC[G>T]GGACGAGTTCTCTGTGCTCTGCCGGGACCTCTACGCCCTGTATCCGCTGCTCATCCGCTA-3'
Protein context (NP_000531.2, residues 3385-3405): AEAQEGELLV[Arg3395Leu]DEFSVLCRDL

ClinVar aggregate classification (germline): Uncertain significance (1 of 4 stars; one submission).

Conditions:
Malignant hyperthermia, susceptibility to, 1 (MHS1). Also called: Anesthesia related hyperthermia; Malignant hyperpyrexia; Fulminating hyperpyrexia; Pharmacogenic myopathy; Malignant hyperthermia suceptibility 1; RYR1-Related Malignant Hyperthermia Susceptibility. Identifiers: Orphanet 423, MedGen C2930980, MONDO:0007783, OMIM 145600.

gnomAD v4.1: 14 of 1,606,622 alleles (0.00087%); highest among the groups gnomAD compares: Admixed American, 0.024%; no homozygotes.

Submission:

All of Us Research Program, National Institutes of Health
Classification: Uncertain significance for Malignant hyperthermia, susceptibility to, 1. Last evaluated: 2024-07-29. Review status: criteria provided, single submitter. Criteria: ACMG Guidelines, 2015. Collection method: clinical testing. Allele origin: germline. Inheritance: Autosomal dominant inheritance. Observed: 1 variant allele, 1 heterozygote.
Comment: This missense variant replaces arginine with leucine at codon 3395 of the RYR1 protein. Computational prediction is inconclusive regarding the impact of this variant on protein structure and function (internally defined REVEL score threshold 0.5 < inconclusive < 0.7, PMID: 27666373). To our knowledge, functional studies have not been reported for this variant. This variant has not been reported in individuals affected with RYR1-related disorders in the literature. This variant has been identified in 3/233616 chromosomes in the general population by the Genome Aggregation Database (gnomAD). The available evidence is insufficient to determine the role of this variant in disease conclusively. Therefore, this variant is classified as a Variant of Uncertain Significance.

This study involves interpretation of variants in research participants for the purpose of population health screening. Participant phenotype was not available at the time of variant classification. Additional details can be found in publication PMID: 35346344, PMCID: PMC8962531